The following is an entry in ClinVar:

ClinVar aggregate classification (germline): Conflicting classifications of pathogenicity. Review status: criteria provided, conflicting classifications (1 of 4 stars). 4 submissions from 4 submitters: Uncertain significance (3); Likely benign (1). Last evaluated 2025-12-09.

Conditions:
Neuromuscular disease caused by qualitative or quantitative defects of dysferlin. Also called: Qualitative or quantitative defects of dysferlin; Dysferlinopathy. Identifiers: Orphanet 207073, MedGen C2931687, MONDO:0016145.
Autosomal recessive limb-girdle muscular dystrophy. Identifiers: Orphanet 102015, MedGen C2931907, MONDO:0015152.
Inborn genetic diseases. Identifiers: MedGen C0950123, MeSH D030342.

Allele frequency attached by ClinVar (database versions not stated): gnomAD 0.00002 and 0.00005; TOPMed 0.00003; gnomAD exomes 0.00006 and 0.00010; ExAC 0.00014; ESP Exome Variant Server 0.00015; 1000 Genomes Project 30x 0.00031; 1000 Genomes Project 0.00040.
gnomAD v4.1: 92 of 1,614,148 alleles (0.0057%); highest among the groups gnomAD compares: South Asian, 0.055%; 1 homozygote.

Submissions (4):

Ambry Genetics
Classification: Uncertain significance for Inborn genetic diseases. Last evaluated: 2025-12-09. Review status: criteria provided, single submitter. Criteria: Ambry Variant Classification Scheme 2023. Collection method: clinical testing. Allele origin: germline.
Comment: The c.3463C>T (p.R1155C) alteration is located in exon 32 (coding exon 32) of the DYSF gene. This alteration results from a C to T substitution at nucleotide position 3463, causing the arginine (R) at amino acid position 1155 to be replaced by a cysteine (C). Based on data from gnomAD, the T allele has an overall frequency of 0.009% (26/282860) total alleles studied. The highest observed frequency was 0.072% (22/30616) of South Asian alleles. Based on insufficient or conflicting evidence, the clinical significance of this alteration remains unclear.

Myriad Genetics, Inc.
Classification: Uncertain significance for Autosomal recessive limb-girdle muscular dystrophy. Last evaluated: 2025-10-08. Review status: criteria provided, single submitter. Criteria: Myriad Autosomal Dominant, Autosomal Recessive and X-Linked Classification Criteria (2023). Collection method: clinical testing. Allele origin: unknown.
Comment: NM_003494.3(DYSF):c.3463C>T(R1155C) is a missense variant classified as a variant of uncertain significance in the context of dysferlinopathy. R1155C has not been observed in cases with relevant disease. Relevant functional assessments of this variant are not available in the literature. R1155C has been observed in referenced population frequency databases. In summary, there is insufficient evidence to classify NM_003494.3(DYSF):c.3463C>T(R1155C) as pathogenic or benign. Please note: this variant was assessed in the context of healthy population screening.

Labcorp Genetics (formerly Invitae), Labcorp
Classification: Likely benign for Neuromuscular disease caused by qualitative or quantitative defects of dysferlin. Last evaluated: 2025-09-07. Review status: criteria provided, single submitter. Criteria: Invitae Variant Classification Sherloc (09022015). Collection method: clinical testing. Allele origin: germline.

Women's Health and Genetics/Laboratory Corporation of America, LabCorp
Classification: Uncertain significance. Last evaluated: 2022-03-08. Review status: criteria provided, single submitter. Criteria: LabCorp Variant Classification Summary - May 2015. Collection method: clinical testing. Allele origin: germline.
Comment: Variant summary: DYSF c.3463C>T (p.Arg1155Cys) results in a non-conservative amino acid change located in one of the C2 domains (IPR000008) of the encoded protein sequence. Five of five in-silico tools predict a damaging effect of the variant on protein function. The variant allele was found at a frequency of 9.2e-05 in 282860 control chromosomes in the gnomAD database, including 1 homozygote. This frequency is not higher than the estimated maximum expected for a pathogenic variant in DYSF causing Limb-Girdle Muscular Dystrophy, Autosomal Recessive (9.9e-05 vs 0.0031), allowing no conclusion about variant significance. To our knowledge, no occurrence of c.3463C>T in individuals affected with Limb-Girdle Muscular Dystrophy, Autosomal Recessive and no experimental evidence demonstrating its impact on protein function have been reported. No clinical diagnostic laboratories have submitted clinical-significance assessments for this variant to ClinVar after 2014. Based on the evidence outlined above, the variant was classified as VUS-possibly benign.

NM_001130987.2(DYSF):c.3517C>T (p.Arg1173Cys)

Gene: DYSF (dysferlin; plus strand). Cytogenetic location: 2p13.2.
Variant type: single nucleotide variant.
Coding change: c.3517C>T on transcript NM_001130987.2 (MANE Select); coding-DNA position 3517, C replaced by T.
Protein change: p.Arg1173Cys; replaces arginine 1173 with cysteine.
Molecular consequence: missense variant.
Genome position (GRCh38, 1-based): chr2:71,590,231, C>T. VCF-style: chr2-71590231-C-T. GRCh37 (hg19) VCF-style: chr2-71817361-C-T.
Other names: c.3466C>T, p.Arg1156Cys (NM_001130455.2, NM_001130983.2); c.3421C>T, p.Arg1141Cys (NM_001130976.2, NM_001130977.2); c.3463C>T, p.Arg1155Cys (NM_001130978.2, NM_003494.4); c.3556C>T, p.Arg1186Cys (NM_001130979.2); c.3514C>T, p.Arg1172Cys (NM_001130980.2, NM_001130981.2); c.3559C>T, p.Arg1187Cys (NM_001130982.2); c.3424C>T, p.Arg1142Cys (NM_001130984.2, NM_001130986.2); c.3517C>T, p.Arg1173Cys (NM_001130985.2); short protein forms R1141C, R1142C, R1155C, R1156C, R1172C, R1173C, R1186C, R1187C.
Identifiers: ClinVar variation 1677047 (VCV001677047.8), dbSNP rs372297758, ClinGen allele CA1706615.